The following is an entry in ClinVar:

ClinVar aggregate classification (germline): Pathogenic/Likely pathogenic. Review status: criteria provided, multiple submitters, no conflicts (2 of 4 stars). 3 submissions from 3 submitters: Pathogenic (1); Likely pathogenic (2). Last evaluated 2024-09-18.

Conditions:
Autosomal recessive polycystic kidney disease (ARPKD). Also called: AR polycystic kidney disease. Identifiers: Orphanet 731, Orphanet 8378, MedGen C0085548, MeSH D017044, MONDO:0009889.
Polycystic kidney disease 4 (PKD4). Also called: PKD3; POLYCYSTIC KIDNEY AND HEPATIC DISEASE 1; POLYCYSTIC KIDNEY DISEASE, INFANTILE, TYPE I; POLYCYSTIC KIDNEY DISEASE 4 WITH OR WITHOUT POLYCYSTIC LIVER DISEASE; Autosomal Recessive Polycystic Kidney Disease – PKHD1. Identifiers: MedGen C4540575, MONDO:0033004, OMIM 263200.

Submissions (3):

Natera, Inc.
Classification: Likely pathogenic for Autosomal recessive polycystic kidney disease. Last evaluated: 2024-09-18. Review status: criteria provided, single submitter. Criteria: Natera Variant Classification Schema (03/2026). Collection method: clinical testing. Allele origin: germline.
Comment: The c.1227delG variant in PKHD1 is a frameshift variant predicted to shift the reading frame beginning at codon 410 and leads to a stop codon 3 codons downstream. This variant is expected to result in nonsense mediated decay, truncation, or a dysfunctional protein product. This variant is rare in the general population with a frequency below the threshold expected for the associated phenotype(s). Given the available evidence, this variant is classified as Likely Pathogenic.

Molecular Diagnostics Laboratory, M Health Fairview: University of Minnesota
Classification: Likely pathogenic for Polycystic kidney disease 4. Last evaluated: 2021-12-02. Review status: criteria provided, single submitter. Criteria: ACMG Guidelines, 2015. Collection method: clinical testing. Allele origin: germline. Affected: yes.

Labcorp Genetics (formerly Invitae), Labcorp
Classification: Pathogenic for Autosomal recessive polycystic kidney disease. Last evaluated: 2021-07-21. Review status: criteria provided, single submitter. Criteria: Invitae Variant Classification Sherloc (09022015). Collection method: clinical testing. Allele origin: germline.
Comment: This sequence change creates a premature translational stop signal (p.Thr410Leufs*3) in the PKHD1 gene. It is expected to result in an absent or disrupted protein product. Loss-of-function variants in PKHD1 are known to be pathogenic (PMID: 19940839). This variant is not present in population databases (ExAC no frequency). This variant has not been reported in the literature in individuals affected with PKHD1-related conditions. For these reasons, this variant has been classified as Pathogenic.

Literature cited by the submitters: PubMed 19940839 (cited by Labcorp Genetics (formerly Invitae), Labcorp).

NM_138694.4(PKHD1):c.1227del (p.Thr410fs)

Gene: PKHD1 (PKHD1 ciliary IPT domain containing fibrocystin/polyductin; minus strand). Cytogenetic location: 6p12.2.
Variant type: Deletion.
Coding change: c.1227del on transcript NM_138694.4 (MANE Select); coding-DNA position 1227, one base deleted (G; older notation c.1227delG).
Protein change: p.Thr410fs; shifts the reading frame from threonine 410.
Molecular consequence: frameshift variant.
Genome position (GRCh38, 1-based): chr6:52,059,934, C deleted on the plus strand (G on the coding strand, the reverse complement: PKHD1 is on the minus strand); the first of 2 consecutive C bases (chr6:52,059,934-52,059,935); deleting either gives the same sequence. VCF-style (leftmost placement, unchanged base first): chr6-52059933-TC-T. GRCh37 (hg19) VCF-style: chr6-51924731-TC-T.
Other names: p.Thr410Leufs*3; c.1227del, p.Thr410fs (NM_170724.3); c.1227delG (NM_138694.3); short protein forms T410fs.
Identifiers: ClinVar variation 1407809 (VCV001407809.8), dbSNP rs1808421350, ClinGen allele CA1088995863.